The following is an entry in ClinVar:

NM_004168.4(SDHA):c.149C>G (p.Ser50Cys)

Gene: SDHA (succinate dehydrogenase complex flavoprotein subunit A; plus strand). Cytogenetic location: 5p15.33.
Variant type: single nucleotide variant.
Coding change: c.149C>G on transcript NM_004168.4 (MANE Select); coding-DNA position 149, C replaced by G.
Protein change: p.Ser50Cys; replaces serine 50 with cysteine.
Molecular consequence: missense variant.
Genome position (GRCh38, 1-based): chr5:223,567, C>G. VCF-style: chr5-223567-C-G. GRCh37 (hg19) VCF-style: chr5-223682-C-G.
Other names: c.149C>G, p.Ser50Cys (NM_001294332.2, NM_001330758.2); short protein forms S50C.
Identifiers: ClinVar variation 1063936 (VCV001063936.9), dbSNP rs369321221, ClinGen allele CA359008332.

ClinVar aggregate classification (germline): Uncertain significance (1 of 4 stars; one submission).

Conditions:
Mitochondrial complex II deficiency, nuclear type 1. Also called: SUCCINATE CoQ REDUCTASE DEFICIENCY. Identifiers: Orphanet 3208, MedGen C5700310, MONDO:0100294, OMIM 252011.
Pheochromocytoma/paraganglioma syndrome 5. Also called: Paragangliomas 5; SDHA-Related Hereditary Paraganglioma-Pheochromocytoma Syndrome. Identifiers: Orphanet 29072, MedGen C3279992, MONDO:0013602, OMIM 614165.

Submission:

Labcorp Genetics (formerly Invitae), Labcorp
Classification: Uncertain significance for Pheochromocytoma/paraganglioma syndrome 5; Mitochondrial complex II deficiency, nuclear type 1. Last evaluated: 2020-10-28. Review status: criteria provided, single submitter. Criteria: Invitae Variant Classification Sherloc (09022015). Collection method: clinical testing. Allele origin: germline.
Comment: In summary, the available evidence is currently insufficient to determine the role of this variant in disease. Therefore, it has been classified as a Variant of Uncertain Significance. Algorithms developed to predict the effect of missense changes on protein structure and function are either unavailable or do not agree on the potential impact of this missense change (SIFT: "Deleterious"; PolyPhen-2: "Benign"; Align-GVGD: "Class C0"). This variant has not been reported in the literature in individuals with SDHA-related conditions. This variant is not present in population databases (ExAC no frequency). This sequence change replaces serine with cysteine at codon 50 of the SDHA protein (p.Ser50Cys). The serine residue is moderately conserved and there is a moderate physicochemical difference between serine and cysteine.